The following is an entry in ClinVar:

NM_001136139.4(TCF3):c.1675G>A (p.Val559Met)

Gene: TCF3 (transcription factor 3; minus strand). Cytogenetic location: 19p13.3.
Variant type: single nucleotide variant.
Coding change: c.1675G>A on transcript NM_001136139.4 (MANE Plus Clinical); coding-DNA position 1675, G replaced by A.
Protein change: p.Val559Met; replaces valine 559 with methionine.
Molecular consequence: missense variant. On other transcripts: intron variant (2).
Genome position (GRCh38, 1-based): chr19:1,612,345, C>T on the plus strand (G>A on the coding strand, the complement: TCF3 is on the minus strand). VCF-style: chr19-1612345-C-T. GRCh37 (hg19) VCF-style: chr19-1612344-C-T.
Other names: c.1675G>A, p.Val559Met (NM_001351779.2); c.1820-496G>A (NM_001351778.2); c.1823-496G>A (NM_003200.5); short protein forms V559M.
Identifiers: ClinVar variation 2991241 (VCV002991241.4), dbSNP rs1320707074, ClinGen allele CA403048830.

ClinVar aggregate classification (germline): Uncertain significance. Review status: criteria provided, multiple submitters, no conflicts (2 of 4 stars). 2 submissions from 2 submitters: Uncertain significance (2). Last evaluated 2024-10-02.

Allele frequency attached by ClinVar (database versions not stated): gnomAD 0.00001.
gnomAD v4.1: 6 of 1,613,852 alleles (0.00037%); highest among the groups gnomAD compares: Non-Finnish European, 0.00051%; no homozygotes.

Submissions (2):

Blueprint Genetics
Classification: Uncertain significance. Last evaluated: 2024-10-02. Review status: criteria provided, single submitter. Criteria: ACMG Guidelines, 2015. Collection method: clinical testing. Allele origin: germline.

Labcorp Genetics (formerly Invitae), Labcorp
Classification: Uncertain significance. Last evaluated: 2023-07-03. Review status: criteria provided, single submitter. Criteria: Invitae Variant Classification Sherloc (09022015). Collection method: clinical testing. Allele origin: germline.
Comment: This variant is present in population databases (no rsID available, gnomAD 0.007%). In summary, the available evidence is currently insufficient to determine the role of this variant in disease. Therefore, it has been classified as a Variant of Uncertain Significance. Experimental studies and prediction algorithms are not available or were not evaluated, and the functional significance of this variant is currently unknown. This variant has not been reported in the literature in individuals affected with TCF3-related conditions. This sequence change replaces valine, which is neutral and non-polar, with methionine, which is neutral and non-polar, at codon 559 of the TCF3 protein (p.Val559Met). The TCF3 gene has multiple clinically relevant transcripts. This variant occurs in alternate transcript NM_001136139.3, and corresponds to NM_003200.4:c.1823-496G>A in the primary transcript.